The following is an entry in ClinVar:

ClinVar aggregate classification (germline): Conflicting classifications of pathogenicity. Review status: criteria provided, conflicting classifications (1 of 4 stars). 3 submissions from 3 submitters: Likely pathogenic (1); Uncertain significance (2). Last evaluated 2025-04-08.

Conditions:
Familial cancer of breast. Also called: Hereditary breast cancer; BREAST CANCER, FAMILIAL; hereditary breast carcinoma. Identifiers: Orphanet 227535, MedGen C0346153, MONDO:0016419, OMIM 114480. Disease mechanism: loss of function.

Submissions (3):

Labcorp Genetics (formerly Invitae), Labcorp
Classification: Uncertain significance for Familial cancer of breast. Last evaluated: 2025-04-08. Review status: criteria provided, single submitter. Criteria: Invitae Variant Classification Sherloc (09022015). Collection method: clinical testing. Allele origin: germline.
Comment: This sequence change affects an acceptor splice site in intron 9 of the PALB2 gene. It is expected to disrupt RNA splicing. Variants that disrupt the donor or acceptor splice site typically lead to a loss of protein function (PMID: 16199547), and loss-of-function variants in PALB2 are known to be pathogenic (PMID: 17200668, 17200671, 17200672, 24136930, 25099575). This variant is not present in population databases (gnomAD no frequency). This variant has not been reported in the literature in individuals affected with PALB2-related conditions. ClinVar contains an entry for this variant (Variation ID: 2673824). Experimental studies have shown that sequence changes at this splice site disrupt the consensus splice site and strengthen a cryptic acceptor site in exon 10, located 3 nucleotides downstream of the natural splice site. This results in an alternative transcript with an in-frame deletion of one of three consecutive glycines located in the linker region between blade 3 and blade 4, but otherwise preserves the integrity of the reading frame (PMID: 30890586). Also, this alternative transcript has been shown to occur naturally in healthy individuals (PMID: 30890586). These studies suggest that the clinical significance of this splice variant may be uncertain. In summary, the available evidence is currently insufficient to determine the role of this variant in disease. Therefore, it has been classified as a Variant of Uncertain Significance.

Quest Diagnostics Nichols Institute San Juan Capistrano
Classification: Uncertain significance. Last evaluated: 2025-02-06. Review status: criteria provided, single submitter. Criteria: Quest Diagnostics criteria. Collection method: clinical testing. Allele origin: unknown.
Comment: The PALB2 c.2997-2A>G variant disrupts a canonical splice-acceptor site and is predicted to interfere with normal PALB2 mRNA splicing. To the best of our knowledge, this variant has not been reported in the published literature in individuals with PALB2-related conditions. This variant has not been reported in large, multi-ethnic general populations (Genome Aggregation Database). Based on the available information, we are unable to determine the clinical significance of this variant.

Myriad Genetics, Inc.
Classification: Likely pathogenic for Familial cancer of breast. Last evaluated: 2023-09-14. Review status: criteria provided, single submitter. Criteria: Myriad Autosomal Dominant, Autosomal Recessive and X-Linked Classification Criteria (2023). Collection method: clinical testing. Allele origin: unknown.
Comment: This variant is considered likely pathogenic. This variant occurs within a consensus splice junction and is predicted to result in abnormal mRNA splicing of either an out-of-frame exon or an in-frame exon necessary for protein stability and/or normal function.

Literature cited by the submitters: PubMed 16199547 (cited by Labcorp Genetics (formerly Invitae), Labcorp); PubMed 17200668 (cited by Labcorp Genetics (formerly Invitae), Labcorp); PubMed 17200671 (cited by Labcorp Genetics (formerly Invitae), Labcorp); PubMed 17200672 (cited by Labcorp Genetics (formerly Invitae), Labcorp); PubMed 24136930 (cited by Labcorp Genetics (formerly Invitae), Labcorp); PubMed 25099575 (cited by Labcorp Genetics (formerly Invitae), Labcorp); PubMed 30890586 (cited by Labcorp Genetics (formerly Invitae), Labcorp); PubMed 33193564 (cited by Quest Diagnostics Nichols Institute San Juan Capistrano).

NM_024675.4(PALB2):c.2997-2A>G

Gene: PALB2 (partner and localizer of BRCA2; minus strand). Cytogenetic location: 16p12.2.
Variant type: single nucleotide variant.
Coding change: c.2997-2A>G on transcript NM_024675.4 (MANE Select); the canonical splice acceptor site of the intron before coding-DNA position 2997, A replaced by G.
Molecular consequence: splice acceptor variant. On other transcripts: intron variant (1).
Genome position (GRCh38, 1-based): chr16:23,621,480, T>C on the plus strand (A>G on the coding strand, the complement: PALB2 is on the minus strand). VCF-style: chr16-23621480-T-C. GRCh37 (hg19) VCF-style: chr16-23632801-T-C.
Other names: c.1950-2A>G (NM_001407307.1); c.2112-2A>G (NM_001407311.1, NM_001407305.1, NM_001407309.1 and 4 more transcripts); c.531-2A>G (NM_001407314.1); c.1209-2A>G (NM_001407313.1, NM_001407312.1); c.2937-2A>G (NM_001407296.1); c.2925-2A>G (NM_001407297.1); c.2835-2A>G (NM_001407302.1, NM_001407298.1); c.2834+2529A>G (NM_001407300.1); and 1 more.
Identifiers: ClinVar variation 2673824 (VCV002673824.3), dbSNP rs1555459421, ClinGen allele CA395143252.